The following is an entry in ClinVar:

ClinVar aggregate classification (germline): Uncertain significance (1 of 4 stars; one submission).

Allele frequency attached by ClinVar (database versions not stated): ESP Exome Variant Server 0.00046; TOPMed 0.00057; gnomAD 0.00064; gnomAD exomes 0.00071; ExAC 0.00083.
gnomAD v4.1: 1,129 of 1,612,764 alleles (0.07%); highest among the groups gnomAD compares: Non-Finnish European, 0.083%; no homozygotes.

Submission:

GeneDx
Classification: Uncertain significance. Last evaluated: 2022-09-27. Review status: criteria provided, single submitter. Criteria: GeneDx Variant Classification Process June 2021. Collection method: clinical testing. Allele origin: germline. Affected: yes.
Comment: In silico analysis supports that this missense variant does not alter protein structure/function; Has not been previously published as pathogenic or benign to our knowledge

NM_002337.4(LRPAP1):c.560A>G (p.Asn187Ser)

Gene: LRPAP1 (LDL receptor related protein associated protein 1; minus strand). Cytogenetic location: 4p16.3.
Variant type: single nucleotide variant.
Coding change: c.560A>G on transcript NM_002337.4 (MANE Select); coding-DNA position 560, A replaced by G.
Protein change: p.Asn187Ser; replaces asparagine 187 with serine.
Molecular consequence: missense variant. On other transcripts: non-coding transcript variant (1).
Genome position (GRCh38, 1-based): chr4:3,518,903, T>C on the plus strand (A>G on the coding strand, the complement: LRPAP1 is on the minus strand). VCF-style: chr4-3518903-T-C. GRCh37 (hg19) VCF-style: chr4-3520630-T-C.
Other names: short protein forms N187S.
Identifiers: ClinVar variation 2446706 (VCV002446706.1), dbSNP rs145265768, ClinGen allele CA2829948.
Genomic context (GRCh38, chr4:3,518,903, plus strand): 5'-GGCAGGAGGGGGTGGGGGCGGGGGGCACCTTCGGTCCTGCTCAGGGTCTCCAGCAGGACG[T>C]TGTACTCGTGAACTTTCTCTTTGTGATGCAGGAACTCCCGCCAGAGCTTGTCCAGTTCTT-3'
Protein context (NP_002328.1, residues 177-197): LHHKEKVHEY[Asn187Ser]VLLETLSRTE